The following is an entry in ClinVar:

ClinVar aggregate classification (germline): Uncertain significance (1 of 4 stars; one submission).

Submission:

Labcorp Genetics (formerly Invitae), Labcorp
Classification: Uncertain significance. Last evaluated: 2022-08-16. Review status: criteria provided, single submitter. Criteria: Invitae Variant Classification Sherloc (09022015). Collection method: clinical testing. Allele origin: germline.
Comment: This sequence change replaces serine, which is neutral and polar, with threonine, which is neutral and polar, at codon 516 of the NUP62 protein (p.Ser516Thr). In summary, the available evidence is currently insufficient to determine the role of this variant in disease. Therefore, it has been classified as a Variant of Uncertain Significance. Algorithms developed to predict the effect of missense changes on protein structure and function (SIFT, PolyPhen-2, Align-GVGD) all suggest that this variant is likely to be tolerated. This variant has not been reported in the literature in individuals affected with NUP62-related conditions. This variant is not present in population databases (gnomAD no frequency).

NM_016553.5(NUP62):c.1547G>C (p.Ser516Thr)

Genes: IL4I1 (interleukin 4 induced 1; minus strand), NUP62 (nucleoporin 62; minus strand). Cytogenetic location: 19q13.33.
Variant type: single nucleotide variant.
Coding change: c.1547G>C on transcript NM_016553.5 (MANE Select); coding-DNA position 1547, G replaced by C.
Protein change: p.Ser516Thr; replaces serine 516 with threonine.
Molecular consequence: missense variant. On other transcripts: intron variant (3).
Genome position (GRCh38, 1-based): chr19:49,908,261, C>G on the plus strand (G>C on the coding strand, the complement: NUP62 is on the minus strand). VCF-style: chr19-49908261-C-G. GRCh37 (hg19) VCF-style: chr19-50411518-C-G.
Other names: c.1547G>C, p.Ser516Thr (NM_001193357.2, NM_012346.5, NM_153718.4 and 1 more transcripts); c.-227-3940G>C (NM_001258017.2, NM_172374.3); c.-285-3940G>C (NM_001258018.2); short protein forms S516T.
Identifiers: ClinVar variation 2070957 (VCV002070957.4), dbSNP rs1248537976, ClinGen allele CA406923284.